The following is an entry in ClinVar:

ClinVar aggregate classification (germline): Likely benign. Review status: criteria provided, multiple submitters, no conflicts (2 of 4 stars). 2 submissions from 2 submitters: Likely benign (2). Last evaluated 2026-01-01.

Submissions (2):

CeGaT Center for Human Genetics Tuebingen
Classification: Likely benign. Last evaluated: 2026-01-01. Review status: criteria provided, single submitter. Criteria: CeGaT Center For Human Genetics Tuebingen Variant Classification Criteria Version 2. Collection method: clinical testing. Allele origin: germline. Affected: yes. Observed: 2 variant alleles.
Comment: ATXN7: BS2

Blueprint Genetics
Classification: Likely benign. Last evaluated: 2024-11-26. Review status: criteria provided, single submitter. Criteria: ACMG Guidelines, 2015. Collection method: clinical testing. Allele origin: germline.

NM_001377405.1(ATXN7):c.118_119insAGCCGC (p.Gln39_Pro40insGlnPro)

Genes: ATXN7 (ataxin 7; plus strand), LOC108660406 (ataxin 7 repeat instability region; plus strand), LOC129936979 (ATAC-STARR-seq lymphoblastoid silent region 14501; plus strand). Cytogenetic location: 3p14.1.
Variant type: Insertion.
Coding change: c.118_119insAGCCGC on transcript NM_001377405.1 (MANE Select); coding-DNA positions 118 to 119, AGCCGC inserted.
Protein change: p.Gln39_Pro40insGlnPro.
Genome position: GRCh38 VCF-style: chr3-63912714-A-AGCAGCC. GRCh37 (hg19) VCF-style: chr3-63898390-A-AGCAGCC.
Other names: c.118_119insAGCCGC, p.Gln39_Pro40insGlnPro (NM_000333.4, NM_001177387.1, NM_001377406.1).
Identifiers: ClinVar variation 2653940 (VCV002653940.23), dbSNP rs770364745, ClinGen allele CA2478175.
Genomic context (GRCh38, chr3:63,912,714, plus strand): 5'-CGGCGGGCGGAGCAGCGGCCGCGGCCGCCCGGCAGCAGCAGCAGCAGCAGCAGCAGCAGC[A>AGCAGCC]GCCGCCGCCTCCGCAGCCCCAGCGGCAGCAGCACCCGCCACCGCCGCCACGGCGCACACG-3'